The following is an entry in ClinVar:

ClinVar aggregate classification (germline): Uncertain significance (1 of 4 stars; one submission).

Conditions:
Cardiovascular phenotype. Identifiers: MedGen CN230736.

Submission:

Ambry Genetics
Classification: Uncertain significance for Cardiovascular phenotype. Last evaluated: 2025-01-21. Review status: criteria provided, single submitter. Criteria: Ambry Variant Classification Scheme 2023. Collection method: clinical testing. Allele origin: germline.
Comment: The c.4003delAinsCAAC variant (also known as p.K1335delinsQQ), located in coding exon 14 of the AKAP9 gene, results from an in-frame deletion of A and insertion of CAAC at nucleotide position 4003. This results in the substitution of the lysine residue at codon 1335 for a glutamine residue, an amino acid with highly similar properties, and the insertion of an additional glutamine residue. This amino acid position is not well conserved in available vertebrate species. In addition, this alteration is predicted to be neutral by in silico analysis (Choi Y et al. PLoS ONE. 2012; 7(10):e46688). The evidence for this gene-disease relationship is limited; therefore, the clinical significance of this alteration is unclear.

NM_005751.5(AKAP9):c.4003delinsCAAC (p.Lys1335delinsGlnGln)

Gene: AKAP9 (A-kinase anchoring protein 9; plus strand). Cytogenetic location: 7q21.2.
Variant type: Indel.
Coding change: c.4003delinsCAAC on transcript NM_005751.5 (MANE Select); coding-DNA position 4003, A replaced by CAAC.
Protein change: p.Lys1335delinsGlnGln.
Molecular consequence: inframe indel.
Genome position (GRCh38, 1-based): chr7:92,022,864, A replaced by CAAC. VCF-style: chr7-92022864-A-CAAC. GRCh37 (hg19) VCF-style: chr7-91652178-A-CAAC.
Other names: c.4003delinsCAAC, p.Lys1335delinsGlnGln (NM_147185.3).
Identifiers: ClinVar variation 3849169 (VCV003849169.1).